The following is an entry in ClinVar:

NM_001754.5(RUNX1):c.968del (p.Thr323fs)

Gene: RUNX1 (RUNX family transcription factor 1; minus strand). Cytogenetic location: 21q22.12.
Variant type: Deletion.
Coding change: c.968del on transcript NM_001754.5 (MANE Select); coding-DNA position 968, one base deleted (C; older notation c.968delC).
Protein change: p.Thr323fs; shifts the reading frame from threonine 323.
Molecular consequence: frameshift variant.
Genome position (GRCh38, 1-based): chr21:34,792,610, G deleted on the plus strand (C on the coding strand, the reverse complement: RUNX1 is on the minus strand). VCF-style (leftmost placement, unchanged base first): chr21-34792609-CG-C. GRCh37 (hg19) VCF-style: chr21-36164906-CG-C.
Other names: NM_001754.5:c.968del; c.887del, p.Thr296fs (NM_001001890.3); short protein forms T296fs, T323fs.
Identifiers: ClinVar variation 2665099 (VCV002665099.1), dbSNP rs2516825700, ClinGen allele CA2573320718.
Genomic context (GRCh38, chr21:34,792,609, plus strand): 5'-GGAGATGGAGGGCAGCGCGGGGAACTGGCGCGGGTCGCTGAACGCTGTCAGGTCGGGTGC[CG>C]CTGCAGGGCGGGCAAGAGAACGGAGCGGAAGTGAGTAGGAGGTTGCGGAGGCCACAGCTC-3'

ClinVar aggregate classification (germline): Likely pathogenic (3 of 4 stars; one submission).

Conditions:
Hereditary thrombocytopenia and hematologic cancer predisposition syndrome. Identifiers: Orphanet 71290, MedGen CN281654, MONDO:0011071.

Submission:

ClinGen Myeloid Malignancy Variant Curation Expert Panel
Classification: Likely pathogenic for Hereditary thrombocytopenia and hematologic cancer predisposition syndrome. Last evaluated: 2023-12-09. Review status: reviewed by expert panel. Criteria: ClinGen MyeloMalig ACMG Specifications v2. Collection method: curation. Allele origin: germline. Inheritance: Autosomal dominant inheritance.
Comment: The NM_001754.5:c.968del (p.Thr323ArgfsTer5) variant in RUNX1 is a frameshift variant that is not expected to result in nonsense-mediated mRNA decay, but the predicted truncated/altered region is critical for protein function (PVS1_strong). This variant is completely absent from all population databases with at least 20x coverage for RUNX1 in gnomAD v2.1.1 and v3.1.2 (PM2_supporting). The de novo status has been confirmed (PS2_supporting). In summary, this variant meets criteria to be classified as likely pathogenic. ACMG/AMP criteria applied, as specified by the Myeloid Malignancy Variant Curation Expert Panel for RUNX1: PVS1_strong, PM2_supporting, PS2_supporting, PS4_supporting.